The following is an entry in ClinVar:

ClinVar aggregate classification (germline): Uncertain significance (1 of 4 stars; one submission).

Submission:

Labcorp Genetics (formerly Invitae), Labcorp
Classification: Uncertain significance. Last evaluated: 2024-04-10. Review status: criteria provided, single submitter. Criteria: Invitae Variant Classification Sherloc (09022015). Collection method: clinical testing. Allele origin: germline.
Comment: This sequence change replaces methionine, which is neutral and non-polar, with isoleucine, which is neutral and non-polar, at codon 1123 of the SETBP1 protein (p.Met1123Ile). This variant is not present in population databases (gnomAD no frequency). This variant has not been reported in the literature in individuals affected with SETBP1-related conditions. Advanced modeling of protein sequence and biophysical properties (such as structural, functional, and spatial information, amino acid conservation, physicochemical variation, residue mobility, and thermodynamic stability) performed at Invitae indicates that this missense variant is not expected to disrupt SETBP1 protein function with a negative predictive value of 80%. In summary, the available evidence is currently insufficient to determine the role of this variant in disease. Therefore, it has been classified as a Variant of Uncertain Significance.

NM_015559.3(SETBP1):c.3369G>T (p.Met1123Ile)

Gene: SETBP1 (SET binding protein 1; plus strand). Cytogenetic location: 18q12.3.
Variant type: single nucleotide variant.
Coding change: c.3369G>T on transcript NM_015559.3 (MANE Select); coding-DNA position 3369, G replaced by T.
Protein change: p.Met1123Ile; replaces methionine 1123 with isoleucine.
Molecular consequence: missense variant.
Genome position (GRCh38, 1-based): chr18:44,952,709, G>T. VCF-style: chr18-44952709-G-T. GRCh37 (hg19) VCF-style: chr18-42532674-G-T.
Other names: c.3369G>T, p.Met1123Ile (NM_001379141.1, NM_001379142.1, NM_001410862.1); short protein forms M1123I.
Identifiers: ClinVar variation 2911774 (VCV002911774.3), dbSNP rs2511475716, ClinGen allele CA402324282.
Genomic context (GRCh38, chr18:44,952,709, plus strand): 5'-GTCCGGTGCAGCTAAGCATAAAGCCAAGCATGGAGTACACCTGCAGGGACCTGTTAGCAT[G>T]GGCCTTGGTGACATGCAGCCTTCTCTGAACCCTCCCAAGGTAGGCAGTGCCAGTCTGTCC-3'
Protein context (NP_056374.2, residues 1113-1133): HGVHLQGPVS[Met1123Ile]GLGDMQPSLN